The following is an entry in ClinVar:

NM_006341.4(MAD2L2):c.354T>C (p.His118=)

Gene: MAD2L2 (mitotic arrest deficient 2 like 2; minus strand). Cytogenetic location: 1p36.22.
Variant type: single nucleotide variant.
Coding change: c.354T>C on transcript NM_006341.4 (MANE Select); coding-DNA position 354, T replaced by C.
Protein change: p.His118=; no amino-acid change (histidine 118 retained).
Molecular consequence: synonymous variant.
Genome position (GRCh38, 1-based): chr1:11,676,119, A>G on the plus strand (T>C on the coding strand, the complement: MAD2L2 is on the minus strand). VCF-style: chr1-11676119-A-G. GRCh37 (hg19) VCF-style: chr1-11736176-A-G.
Other names: c.354T>C, p.His118= (NM_001127325.2); c.354T>C (NM_001127325.1).
Identifiers: ClinVar variation 2146960 (VCV002146960.30), dbSNP rs542007676, ClinGen allele CA593761.
Genomic context (GRCh38, chr1:11,676,119, plus strand): 5'-GTCCAGGACGGCATCGCACACGCTGATCTTCAGGATGAAGGCCCGGAGCAGCTGCTCCAC[A>G]TGAGACAACAGCGAGTCTGAGCTGGGAGTGAGAGGAGGTCTTCCCATCACACTGGCGCCC-3'
Protein context (NP_006332.3, residues 108-128): LSISSDSLLS[His118=]VEQLLRAFIL

ClinVar aggregate classification (germline): Likely benign. Review status: criteria provided, multiple submitters, no conflicts (2 of 4 stars). 4 submissions from 4 submitters: Likely benign (3). 1 of the submissions does not count toward it. Last evaluated 2025-12-24.

Conditions:
MAD2L2-related disorder. Also called: MAD2L2-related condition.

Allele frequency attached by ClinVar (database versions not stated): gnomAD 0.00005; 1000 Genomes Project 0.00040; 1000 Genomes Project 30x 0.00047.
gnomAD v4.1: 148 of 1,607,498 alleles (0.0092%); highest among the groups gnomAD compares: South Asian, 0.15%; no homozygotes.

Submissions (4):

Labcorp Genetics (formerly Invitae), Labcorp
Classification: Likely benign. Last evaluated: 2025-12-24. Review status: criteria provided, single submitter. Criteria: Invitae Variant Classification Sherloc (09022015). Collection method: clinical testing. Allele origin: germline.

Blueprint Genetics
Classification: Likely benign. Last evaluated: 2024-11-25. Review status: criteria provided, single submitter. Criteria: ACMG Guidelines, 2015. Collection method: clinical testing. Allele origin: germline.

CeGaT Center for Human Genetics Tuebingen
Classification: Likely benign. Last evaluated: 2023-04-01. Review status: criteria provided, single submitter. Criteria: CeGaT Center For Human Genetics Tuebingen Variant Classification Criteria Version 2. Collection method: clinical testing. Allele origin: germline. Affected: yes. Observed: 1 variant allele.
Comment: MAD2L2: BP4

PreventionGenetics, part of Exact Sciences
Classification: Likely benign for MAD2L2-related condition. Last evaluated: 2023-01-23. Review status: no assertion criteria provided. Collection method: clinical testing. Allele origin: germline. Not counted in ClinVar's aggregate classification.
Comment: This variant is classified as likely benign based on ACMG/AMP sequence variant interpretation guidelines (Richards et al. 2015 PMID: 25741868, with internal and published modifications).